The following is an entry in ClinVar:

ClinVar aggregate classification (germline): Uncertain significance. Review status: criteria provided, single submitter (1 of 4 stars). 2 submissions from 2 submitters: Uncertain significance (1). 1 of the submissions does not count toward it. Last evaluated 2025-12-16.

Conditions:
APOLIPOPROTEIN A-I (NORWAY).

Allele frequency attached by ClinVar (database versions not stated): TOPMed 0.00001.
gnomAD v4.1: 42 of 1,612,866 alleles (0.0026%); highest among the groups gnomAD compares: Non-Finnish European, 0.0032%; no homozygotes.

Submissions (2):

Labcorp Genetics (formerly Invitae), Labcorp
Classification: Uncertain significance. Last evaluated: 2025-12-16. Review status: criteria provided, single submitter. Criteria: Invitae Variant Classification Sherloc (09022015). Collection method: clinical testing. Allele origin: germline.
Comment: This sequence change replaces glutamic acid, which is acidic and polar, with lysine, which is basic and polar, at codon 160 of the APOA1 protein (p.Glu160Lys). This variant is present in population databases (rs121912718, gnomAD 0.004%). This variant has not been reported in the literature in individuals affected with APOA1-related conditions. ClinVar contains an entry for this variant (Variation ID: 17913). Invitae Evidence Modeling of protein sequence and biophysical properties (such as structural, functional, and spatial information, amino acid conservation, physicochemical variation, residue mobility, and thermodynamic stability) has been performed for this missense variant. However, the output from this modeling did not meet the statistical confidence thresholds required to predict the impact of this variant on APOA1 protein function. In summary, the available evidence is currently insufficient to determine the role of this variant in disease. Therefore, it has been classified as a Variant of Uncertain Significance.

OMIM
Classification: Pathogenic for APOLIPOPROTEIN A-I (NORWAY). Last evaluated: 1984-08-25. Review status: no assertion criteria provided. Collection method: literature only. Allele origin: germline. Not counted in ClinVar's aggregate classification.

Literature cited by the submitters: PubMed 6413385 (cited by OMIM); PubMed 6432779 (cited by OMIM); Breslow, J. L., Karathanasis, S., Norum, R., Zannis, V. I. APO A-I deficiency and premature atherosclerosis associated with an insertion in the APO A-I gene. (Abstract) Pediat. Res. 17: 208A-only, 1983. (cited by OMIM).

NM_000039.3(APOA1):c.478G>A (p.Glu160Lys)

Genes: APOA1 (apolipoprotein A1; minus strand), APOA1-AS (APOA1 antisense RNA; plus strand). Cytogenetic location: 11q23.3.
Variant type: single nucleotide variant.
Coding change: c.478G>A on transcript NM_000039.3 (MANE Select); coding-DNA position 478, G replaced by A.
Protein change: p.Glu160Lys; replaces glutamic acid 160 with lysine.
Molecular consequence: missense variant. On other transcripts: non-coding transcript variant (1).
Genome position (GRCh38, 1-based): chr11:116,836,134, C>T on the plus strand (G>A on the coding strand, the complement: APOA1 is on the minus strand). VCF-style: chr11-116836134-C-T. GRCh37 (hg19) VCF-style: chr11-116706850-C-T.
Other names: E136K; c.478G>A, p.Glu160Lys (NM_001318017.2, NM_001318018.2); c.151G>A, p.Glu51Lys (NM_001318021.2); short protein forms E160K, E51K.
Identifiers: ClinVar variation 17913 (VCV000017913.3), dbSNP rs121912718, ClinGen allele CA127549.